The following is an entry in ClinVar:

ClinVar aggregate classification (germline): Benign/Likely benign. Review status: criteria provided, multiple submitters, no conflicts (2 of 4 stars). 3 submissions from 3 submitters: Benign (1); Likely benign (2). Last evaluated 2026-01-26.

Allele frequency attached by ClinVar (database versions not stated): 1000 Genomes Project 0.00060; 1000 Genomes Project 30x 0.00062; ExAC 0.00066; TOPMed 0.00086; gnomAD 0.00093; ESP Exome Variant Server 0.00100; gnomAD exomes 0.00156.
gnomAD v4.1: 2,419 of 1,612,298 alleles (0.15%); highest among the groups gnomAD compares: Non-Finnish European, 0.18%; no homozygotes.

Submissions (3):

Labcorp Genetics (formerly Invitae), Labcorp
Classification: Likely benign. Last evaluated: 2026-01-26. Review status: criteria provided, single submitter. Criteria: Invitae Variant Classification Sherloc (09022015). Collection method: clinical testing. Allele origin: germline.

Blueprint Genetics
Classification: Likely benign. Last evaluated: 2024-11-15. Review status: criteria provided, single submitter. Criteria: ACMG Guidelines, 2015. Collection method: clinical testing. Allele origin: germline.

Women's Health and Genetics/Laboratory Corporation of America, LabCorp
Classification: Benign. Last evaluated: 2023-07-20. Review status: criteria provided, single submitter. Criteria: LabCorp Variant Classification Summary - May 2015. Collection method: clinical testing. Allele origin: germline.
Comment: Variant summary: CRLF1 c.1212+17C>T alters a non-conserved nucleotide located close to a canonical splice site and therefore could affect mRNA splicing, leading to a significantly altered protein sequence. 4/4 computational tools predict no significant impact on normal splicing. However, these predictions have yet to be confirmed by functional studies. The variant allele was found at a frequency of 0.00078 in 246164 control chromosomes, predominantly at a frequency of 0.0012 within the Latino subpopulation in the gnomAD database. The observed variant frequency within Latino control individuals in the gnomAD database is approximately 1 fold of the estimated maximal expected allele frequency for a pathogenic variant in CRLF1 causing Cold-Induced Sweating Syndrome phenotype (0.0011), strongly suggesting that the variant is a benign polymorphism found primarily in populations of Latino origin. To our knowledge, no occurrence of c.1212+17C>T in individuals affected with Cold-Induced Sweating Syndrome and no experimental evidence demonstrating its impact on protein function have been reported. One submitter has cited clinical-significance assessments for this variant to ClinVar after 2014 and has classified the variant as likely benign. Based on the evidence outlined above, the variant was classified as benign.

NM_004750.5(CRLF1):c.1212+17C>T

Genes: CRLF1 (cytokine receptor like factor 1; minus strand), LOC130064020 (ATAC-STARR-seq lymphoblastoid silent region 10410; plus strand). Cytogenetic location: 19p13.11.
Variant type: single nucleotide variant.
Coding change: c.1212+17C>T on transcript NM_004750.5 (MANE Select); 17 bases into the intron after coding-DNA position 1212, C replaced by T.
Molecular consequence: intron variant.
Genome position (GRCh38, 1-based): chr19:18,594,230, G>A on the plus strand (C>T on the coding strand, the complement: CRLF1 is on the minus strand). VCF-style: chr19-18594230-G-A. GRCh37 (hg19) VCF-style: chr19-18705040-G-A.
Other names: c.1212+17C>T (NM_004750.4).
Identifiers: ClinVar variation 1971476 (VCV001971476.7), dbSNP rs113715887, ClinGen allele CA9313981.
Genomic context (GRCh38, chr19:18,594,230, plus strand): 5'-TCTTCCCCCTCCCCTGTTTTCTGGGCCCCCCCAGCTCCCTGTCCCCACCCCCACGCCCGA[G>A]GGTCCCTCCTTCCTACCTGGTTGCGGGTCTTGTGCGACTTCTGCATCCAGGCTCGCCACT-3'